The following is an entry in ClinVar:

NM_004247.4(EFTUD2):c.2198G>A (p.Trp733Ter)

Gene: EFTUD2 (elongation factor Tu GTP binding domain containing 2; minus strand). Cytogenetic location: 17q21.31.
Variant type: single nucleotide variant.
Coding change: c.2198G>A on transcript NM_004247.4 (MANE Select); coding-DNA position 2198, G replaced by A.
Protein change: p.Trp733Ter; replaces tryptophan 733 with a stop codon.
Molecular consequence: nonsense.
Genome position (GRCh38, 1-based): chr17:44,854,617, C>T on the plus strand (G>A on the coding strand, the complement: EFTUD2 is on the minus strand). VCF-style: chr17-44854617-C-T. GRCh37 (hg19) VCF-style: chr17-42931985-C-T.
Other names: c.2093G>A, p.Trp698Ter (NM_001142605.2); c.2198G>A, p.Trp733Ter (NM_001258353.2); c.2168G>A, p.Trp723Ter (NM_001258354.2); short protein forms W733*, W698*, W723*.
Identifiers: ClinVar variation 435033 (VCV000435033.7), dbSNP rs1555564341, ClinGen allele CA399843008.
Genomic context (GRCh38, chr17:44,854,617, plus strand): 5'-TCAGAGGGCAGAGTATCATCCACCAGAATGTTGGGGCCAGTCGCATCAGGGCCAAAAGCC[C>T]AGATGGAACGGGCAGCCAGCAGATCCCAATCGTACTTGGTCTGGAAGAACTCTCCCAGCT-3'

ClinVar aggregate classification (germline): Pathogenic. Review status: criteria provided, multiple submitters, no conflicts (2 of 4 stars). 2 submissions from 2 submitters: Pathogenic (2). Last evaluated 2025-02-11.

Conditions:
Mandibulofacial dysostosis-microcephaly syndrome (MFDGA). Also called: Growth and mental retardation, mandibulofacial dysostosis, microcephaly, and cleft palate; Mandibulofacial dysostosis, Guion-Almeida type. Identifiers: Orphanet 79113, MedGen C1864652, MONDO:0012516, OMIM 610536.

Submissions (2):

GeneDx
Classification: Pathogenic. Last evaluated: 2025-02-11. Review status: criteria provided, single submitter. Criteria: GeneDx Variant Classification Process June 2021. Collection method: clinical testing. Allele origin: germline. Affected: yes.
Comment: Reported previously in a patient with possible CHARGE syndrome including choanal atresia, dysplastic ears, hearing loss, and microcephaly; segregation testing could not be performed (PMID: 23188108); Nonsense variant predicted to result in protein truncation or nonsense mediated decay in a gene for which loss of function is a known mechanism of disease; Not observed at significant frequency in large population cohorts (gnomAD); This variant is associated with the following publications: (PMID: 27895973, 24470203, 23188108)

Genetic Services Laboratory, University of Chicago
Classification: Pathogenic for Mandibulofacial dysostosis, Guion-Almeida type. Last evaluated: 2016-01-21. Review status: criteria provided, single submitter. Criteria: ACMG Guidelines, 2015. Collection method: clinical testing. Allele origin: germline. Affected: yes.